The following is an entry in ClinVar:

NM_000257.4(MYH7):c.3548T>A (p.Leu1183Gln)

Gene: MYH7 (myosin heavy chain 7; minus strand). Cytogenetic location: 14q11.2.
Variant type: single nucleotide variant.
Coding change: c.3548T>A on transcript NM_000257.4 (MANE Select); coding-DNA position 3548, T replaced by A.
Protein change: p.Leu1183Gln; replaces leucine 1183 with glutamine.
Molecular consequence: missense variant.
Genome position (GRCh38, 1-based): chr14:23,420,023, A>T on the plus strand (T>A on the coding strand, the complement: MYH7 is on the minus strand). VCF-style: chr14-23420023-A-T. GRCh37 (hg19) VCF-style: chr14-23889232-A-T.
Other names: c.3548T>A, p.Leu1183Gln (NM_001407004.1); short protein forms L1183Q.
Identifiers: ClinVar variation 1732538 (VCV001732538.7), dbSNP rs761045243, ClinGen allele CA037799.

ClinVar aggregate classification (germline): Uncertain significance. Review status: criteria provided, multiple submitters, no conflicts (2 of 4 stars). 4 submissions from 4 submitters: Uncertain significance (4). Last evaluated 2023-12-13.

Conditions:
Hypertrophic cardiomyopathy. Also called: HYPERTROPHIC MYOCARDIOPATHY. Identifiers: Orphanet 217569, MedGen C0007194, MeSH D002312, MONDO:0005045, HP:0001639.
Cardiovascular phenotype. Identifiers: MedGen CN230736.
Cardiomyopathy (CMYO). Also called: Cardiomyopathies. Identifiers: Orphanet 167848, MedGen C0878544, MONDO:0004994, HP:0001638. Inheritance: Various modes of inheritance.

Allele frequency attached by ClinVar (database versions not stated): ExAC 0.00001; gnomAD exomes 0.00001; TOPMed 0.00001.

Submissions (4):

All of Us Research Program, National Institutes of Health
Classification: Uncertain significance for Cardiomyopathy. Last evaluated: 2023-12-13. Review status: criteria provided, single submitter. Criteria: ACMG Guidelines, 2015. Collection method: clinical testing. Allele origin: germline. Inheritance: Autosomal dominant inheritance. Observed: 3 variant alleles, 3 heterozygotes.
Comment: This missense variant replaces leucine with glutamine at codon 1183 of the MYH7 protein. Computational prediction suggests that this variant may have deleterious impact on protein structure and function (internally defined REVEL score threshold >= 0.7, PMID: 27666373). To our knowledge, functional studies have not been reported for this variant. This variant has been reported in one individual affected with hypertrophic cardiomyopathy (PMID: 27532257). This variant has been identified in 2/213284 chromosomes in the general population by the Genome Aggregation Database (gnomAD). The available evidence is insufficient to determine the role of this variant in disease conclusively. Therefore, this variant is classified as a Variant of Uncertain Significance.

This study involves interpretation of variants in research participants for the purpose of population health screening. Participant phenotype was not available at the time of variant classification. Additional details can be found in publication PMID: 35346344, PMCID: PMC8962531

Color Diagnostics, LLC DBA Color Health
Classification: Uncertain significance for Cardiomyopathy. Last evaluated: 2023-11-08. Review status: criteria provided, single submitter. Criteria: ACMG Guidelines, 2015. Collection method: clinical testing. Allele origin: germline.
Comment: This missense variant replaces leucine with glutamine at codon 1183 of the MYH7 protein. Computational prediction suggests that this variant may have deleterious impact on protein structure and function. To our knowledge, functional studies have not been reported for this variant. This variant has been reported in one individual affected with hypertrophic cardiomyopathy (PMID: 27532257). This variant has been identified in 2/213284 chromosomes in the general population by the Genome Aggregation Database (gnomAD). The available evidence is insufficient to determine the role of this variant in disease conclusively. Therefore, this variant is classified as a Variant of Uncertain Significance.

Labcorp Genetics (formerly Invitae), Labcorp
Classification: Uncertain significance for Hypertrophic cardiomyopathy. Last evaluated: 2023-06-05. Review status: criteria provided, single submitter. Criteria: Invitae Variant Classification Sherloc (09022015). Collection method: clinical testing. Allele origin: germline.
Comment: ClinVar contains an entry for this variant (Variation ID: 1732538). In summary, the available evidence is currently insufficient to determine the role of this variant in disease. Therefore, it has been classified as a Variant of Uncertain Significance. Advanced modeling of protein sequence and biophysical properties (such as structural, functional, and spatial information, amino acid conservation, physicochemical variation, residue mobility, and thermodynamic stability) performed at Invitae indicates that this missense variant is expected to disrupt MYH7 protein function. This missense change has been observed in individual(s) with cardiomyopathy (PMID: 27532257). This variant is present in population databases (rs761045243, gnomAD 0.002%). This sequence change replaces leucine, which is neutral and non-polar, with glutamine, which is neutral and polar, at codon 1183 of the MYH7 protein (p.Leu1183Gln).

Ambry Genetics
Classification: Uncertain significance for Cardiovascular phenotype. Last evaluated: 2020-10-30. Review status: criteria provided, single submitter. Criteria: Ambry Variant Classification Scheme 2023. Collection method: clinical testing. Allele origin: germline.
Comment: The p.L1183Q variant (also known as c.3548T>A), located in coding exon 25 of the MYH7 gene, results from a T to A substitution at nucleotide position 3548. The leucine at codon 1183 is replaced by glutamine, an amino acid with dissimilar properties. This variant was reported in a hypertrophic cardiomyopathy (HCM) genetic testing cohort; however, clinical details were limited (Walsh R et al. Genet Med, 2017 02;19:192-203). This amino acid position is highly conserved in available vertebrate species. In addition, this alteration is predicted to be deleterious by in silico analysis. Since supporting evidence is limited at this time, the clinical significance of this alteration remains unclear.

Literature cited by the submitters: PubMed 27532257 (cited by 4 submitters).